The following is an entry in ClinVar:

ClinVar aggregate classification (germline): Likely benign (1 of 4 stars; one submission).

Allele frequency attached by ClinVar (database versions not stated): 1000 Genomes Project 0.00439; 1000 Genomes Project 30x 0.00515; TOPMed 0.00754; gnomAD 0.00816 and 0.00827.
gnomAD v4.1: 1,236 of 152,062 alleles (0.81%); highest among the groups gnomAD compares: Admixed American, 1.4%; 9 homozygotes.

Submission:

GeneDx
Classification: Likely benign. Last evaluated: 2018-06-14. Review status: criteria provided, single submitter. Criteria: GeneDx Variant Classification (06012015). Collection method: clinical testing. Allele origin: germline. Affected: yes.
Comment: This variant is considered likely benign or benign based on one or more of the following criteria: it is a conservative change, it occurs at a poorly conserved position in the protein, it is predicted to be benign by multiple in silico algorithms, and/or has population frequency not consistent with disease.

NM_006258.4(PRKG1):c.1546-284G>C

Gene: PRKG1 (protein kinase cGMP-dependent 1; plus strand). Cytogenetic location: 10q21.1.
Variant type: single nucleotide variant.
Coding change: c.1546-284G>C on transcript NM_006258.4 (MANE Select); 284 bases into the intron before coding-DNA position 1546, G replaced by C.
Molecular consequence: intron variant.
Genome position (GRCh38, 1-based): chr10:52,281,869, G>C. VCF-style: chr10-52281869-G-C. GRCh37 (hg19) VCF-style: chr10-54041629-G-C.
Other names: c.1501-284G>C (NM_001098512.3).
Identifiers: ClinVar variation 669644 (VCV000669644.1), dbSNP rs139929867, ClinGen allele CA207400855.